The following is an entry in ClinVar:

ClinVar aggregate classification (germline): Conflicting classifications of pathogenicity. Review status: criteria provided, conflicting classifications (1 of 4 stars). 4 submissions from 4 submitters: Uncertain significance (2); Likely benign (2). Last evaluated 2025-09-01.

Conditions:
Inborn genetic diseases. Identifiers: MedGen C0950123, MeSH D030342.
KCNJ6-related disorder. Also called: KCNJ6-related condition.

Allele frequency attached by ClinVar (database versions not stated): gnomAD 0.00009; TOPMed 0.00009; ExAC 0.00011; ESP Exome Variant Server 0.00016.
gnomAD v4.1: 199 of 1,612,880 alleles (0.012%); highest among the groups gnomAD compares: Non-Finnish European, 0.015%; no homozygotes.

Submissions (4):

CeGaT Center for Human Genetics Tuebingen
Classification: Likely benign. Last evaluated: 2025-09-01. Review status: criteria provided, single submitter. Criteria: CeGaT Center For Human Genetics Tuebingen Variant Classification Criteria Version 2. Collection method: clinical testing. Allele origin: germline. Affected: yes. Observed: 1 variant allele.
Comment: KCNJ6: BS2

Ambry Genetics
Classification: Likely benign for Inborn genetic diseases. Last evaluated: 2024-11-11. Review status: criteria provided, single submitter. Criteria: Ambry Variant Classification Scheme 2023. Collection method: clinical testing. Allele origin: germline.

Labcorp Genetics (formerly Invitae), Labcorp
Classification: Uncertain significance. Last evaluated: 2024-10-23. Review status: criteria provided, single submitter. Criteria: Invitae Variant Classification Sherloc (09022015). Collection method: clinical testing. Allele origin: germline.
Comment: This sequence change replaces aspartic acid, which is acidic and polar, with asparagine, which is neutral and polar, at codon 15 of the KCNJ6 protein (p.Asp15Asn). This variant is present in population databases (rs201639979, gnomAD 0.02%). This variant has not been reported in the literature in individuals affected with KCNJ6-related conditions. ClinVar contains an entry for this variant (Variation ID: 2162637). An algorithm developed to predict the effect of missense changes on protein structure and function (PolyPhen-2) suggests that this variant is likely to be tolerated. In summary, the available evidence is currently insufficient to determine the role of this variant in disease. Therefore, it has been classified as a Variant of Uncertain Significance.

PreventionGenetics, part of Exact Sciences
Classification: Uncertain significance for KCNJ6-related condition. Last evaluated: 2023-01-13. Review status: criteria provided, single submitter. Criteria: ACMG Guidelines, 2015. Collection method: clinical testing. Allele origin: germline.
Comment: The KCNJ6 c.43G>A variant is predicted to result in the amino acid substitution p.Asp15Asn. To our knowledge, this variant has not been reported in the literature. This variant is reported in 0.016% of alleles in individuals of European (Non-Finnish) descent in gnomAD, which may be to common to be a primary cause of disease. Although we suspect that this variant may be benign, at this time, the clinical significance of this variant is uncertain due to the absence of conclusive functional and genetic evidence.

NM_002240.5(KCNJ6):c.43G>A (p.Asp15Asn)

Genes: KCNJ6 (potassium inwardly rectifying channel subfamily J member 6; minus strand), KCNJ6-AS1 (KCNJ6 antisense RNA 1; plus strand). Cytogenetic location: 21q22.13.
Variant type: single nucleotide variant.
Coding change: c.43G>A on transcript NM_002240.5 (MANE Select); coding-DNA position 43, G replaced by A.
Protein change: p.Asp15Asn; replaces aspartic acid 15 with asparagine.
Molecular consequence: missense variant.
Genome position (GRCh38, 1-based): chr21:37,715,114, C>T on the plus strand (G>A on the coding strand, the complement: KCNJ6 is on the minus strand). VCF-style: chr21-37715114-C-T. GRCh37 (hg19) VCF-style: chr21-39087417-C-T.
Other names: c.43G>A (NM_002240.2); short protein forms D15N.
Identifiers: ClinVar variation 2162637 (VCV002162637.13), dbSNP rs201639979, ClinGen allele CA10024364.
Genomic context (GRCh38, chr21:37,715,114, plus strand): 5'-GCTTAGGCAACTTTGGCTGGTGAATGGCCACTGGGCTTTCGACGTCCTGATCCATGGAGT[C>T]GCCCTCCAGGACGTTAGCTGGTGGTTTGGAGAAAAGAAAAGAAACACTGAATGAAAGGCT-3'
Protein context (NP_002231.1, residues 5-25): TESMTNVLEG[Asp15Asn]SMDQDVESPV